The following is an entry in ClinVar:

NM_001378615.1(CC2D2A):c.3880A>C (p.Ser1294Arg)

Genes: CC2D2A (coiled-coil and C2 domain containing 2A; plus strand), FBXL5 (F-box and leucine rich repeat protein 5; minus strand). Cytogenetic location: 4p15.32.
Variant type: single nucleotide variant.
Coding change: c.3880A>C on transcript NM_001378615.1 (MANE Select); coding-DNA position 3880, A replaced by C.
Protein change: p.Ser1294Arg; replaces serine 1294 with arginine.
Molecular consequence: missense variant.
Genome position (GRCh38, 1-based): chr4:15,580,076, A>C. VCF-style: chr4-15580076-A-C. GRCh37 (hg19) VCF-style: chr4-15581699-A-C.
Other names: c.3880A>C, p.Ser1294Arg (NM_001080522.2); c.3733A>C, p.Ser1245Arg (NM_001378617.1); short protein forms S1294R, S1245R.
Identifiers: ClinVar variation 422116 (VCV000422116.2), dbSNP rs1064795568, ClinGen allele CA16618034.

ClinVar aggregate classification (germline): Uncertain significance (1 of 4 stars; one submission).

Submission:

GeneDx
Classification: Uncertain significance. Last evaluated: 2016-09-12. Review status: criteria provided, single submitter. Criteria: GeneDx Variant Classification (06012015). Collection method: clinical testing. Allele origin: germline. Affected: yes.
Comment: The S1294R variant in the CC2D2A gene has not been reported previously as a pathogenic variant, nor as a benign variant, to our knowledge. The S1294R variant was not observed in approximately 5,900 individuals of European and African American ancestry in the NHLBI Exome Sequencing Project, indicating it is not a common benign variant in these populations. The S1294R variant is a semi-conservative amino acid substitution, which may impact secondary protein structure as these residues differ in some properties. This substitution occurs at a position that is not conserved. In silico analysis is inconsistent in its predictions as to whether or not the variant is damaging to the protein structure/function. We interpret S1294R as a variant of uncertain significance.